The following is an entry in ClinVar:

ClinVar aggregate classification (germline): Pathogenic/Likely pathogenic. Review status: criteria provided, multiple submitters, no conflicts (2 of 4 stars). 6 submissions from 6 submitters: Pathogenic (4); Likely pathogenic (1). 1 of the submissions does not count toward it. Last evaluated 2026-04-16.

Conditions:
APC associated polyposis.
Hereditary cancer-predisposing syndrome. Also called: Tumor predisposition; Hereditary neoplastic syndrome; Neoplastic Syndromes, Hereditary; Hereditary Cancer Syndrome. Identifiers: Orphanet 140162, MedGen C0027672, MeSH D009386, MONDO:0015356.
Familial multiple polyposis syndrome (FAP). Also called: Familial polyposis; Familial Adenomatous Polyposis (FAP); Familial adenomatous polyposis; Classic familial adenomatous polyposis; Familial intestinal polyposis. Identifiers: Orphanet 733, MedGen C0032580, MONDO:0021055. Disease mechanism: loss of function.
Familial adenomatous polyposis 1 (FAP1). Also called: FAMILIAL ADENOMATOUS POLYPOSIS 1, ATTENUATED; POLYPOSIS, ADENOMATOUS INTESTINAL. Identifiers: MedGen C2713442, MONDO:0021056, OMIM 175100. Disease mechanism: loss of function.

Submissions (6):

Genomics and Molecular Medicine Service, East Genomic Laboratory Hub, NHS Genomic Medicine Service
Classification: Pathogenic for APC associated polyposis. Last evaluated: 2026-04-16. Review status: criteria provided, single submitter. Criteria: ACGS Best Practice Guidelines for Variant Classification in Rare Disease 2020. Collection method: clinical testing. Allele origin: germline. Affected: yes.
Comment: PVS1,PS4_Supporting,PM2_Supporting

Labcorp Genetics (formerly Invitae), Labcorp
Classification: Pathogenic for Familial adenomatous polyposis 1. Last evaluated: 2025-08-10. Review status: criteria provided, single submitter. Criteria: Invitae Variant Classification Sherloc (09022015). Collection method: clinical testing. Allele origin: germline.
Comment: This sequence change creates a premature translational stop signal (p.Lys226Argfs*67) in the APC gene. It is expected to result in an absent or disrupted protein product. Loss-of-function variants in APC are known to be pathogenic (PMID: 17963004, 20685668). This variant is not present in population databases (gnomAD no frequency). This premature translational stop signal has been observed in individual(s) with familial adenomatous polyposis (PMID: 20223039). ClinVar contains an entry for this variant (Variation ID: 218003). For these reasons, this variant has been classified as Pathogenic.

Myriad Genetics, Inc.
Classification: Pathogenic for Familial adenomatous polyposis 1. Last evaluated: 2023-04-27. Review status: criteria provided, single submitter. Criteria: Myriad Autosomal Dominant, Autosomal Recessive and X-Linked Classification Criteria (2023). Collection method: clinical testing. Allele origin: unknown.
Comment: This variant is considered pathogenic. This variant creates a frameshift predicted to result in premature protein truncation.

Ambry Genetics
Classification: Pathogenic for Hereditary cancer-predisposing syndrome. Last evaluated: 2020-03-18. Review status: criteria provided, single submitter. Criteria: Ambry Variant Classification Scheme 2023. Collection method: clinical testing. Allele origin: germline.
Comment: The c.677delA pathogenic mutation, located in coding exon 6 of the APC gene, results from a deletion of one nucleotide at position 677, causing a translational frameshift with a predicted alternate stop codon (p.K226Rfs*67). This alteration was identified in 1/1164 unrelated German index patients with a clinical diagnosis of FAP or AFAP (Friedl W et al. Hered Cancer Clin Pract, 2005 Sep;3:95-114). In addition to the clinical data presented in the literature, this alteration is expected to result in loss of function by premature protein truncation or nonsense-mediated mRNA decay. As such, this alteration is interpreted as a disease-causing mutation.

Women's Health and Genetics/Laboratory Corporation of America, LabCorp
Classification: Likely pathogenic for Familial adenomatous polyposis. Last evaluated: 2017-12-11. Review status: criteria provided, single submitter. Criteria: LabCorp Variant Classification Summary - May 2015. Collection method: clinical testing. Allele origin: germline.
Comment: Variant summary: The c.677delA (p.Lys226Argfs*67) variant in APC gene is a frameshift change, which is predicted to cause loss of normal protein function through protein truncation or nonsense-mediated mRNA decay. The variant is absent from the large control population datasets of ExAC and gnomAD (120204 and 245862 chrs tested, respectively). The c.677delA has been reported in at least one FAP patient (Friedl_2005) and is cited as Likely Pathogenic by a reputable database/clinical laboratory. Other truncated variants, such as c. c.778C>T (p.Gln260X) and c.797dup (p.Glu268ArgfsX9), have been reported in association with FAP. Taking together, the variant was classified as Likely Pathogenic.

Mayo Clinic Laboratories, Mayo Clinic
Classification: Likely pathogenic. Review status: no assertion criteria provided. Collection method: clinical testing. Allele origin: unknown. Not counted in ClinVar's aggregate classification.

Literature cited by the submitters: PubMed 17963004 (cited by Labcorp Genetics (formerly Invitae), Labcorp); PubMed 20685668 (cited by Labcorp Genetics (formerly Invitae), Labcorp); PubMed 20223039 (cited by 3 submitters).

NM_000038.6(APC):c.677del (p.Lys226fs)

Gene: APC (APC regulator of Wnt signaling pathway; plus strand). Cytogenetic location: 5q22.2.
Variant type: Deletion.
Coding change: c.677del on transcript NM_000038.6 (MANE Select); coding-DNA position 677, one base deleted (A; older notation c.677delA).
Protein change: p.Lys226fs; shifts the reading frame from lysine 226.
Molecular consequence: frameshift variant. On other transcripts: 5 prime UTR variant (1), intron variant (2).
Genome position (GRCh38, 1-based): chr5:112,792,477, A deleted; the last of 4 consecutive A bases (chr5:112,792,474-112,792,477); deleting any one gives the same sequence. VCF-style (leftmost placement, unchanged base first): chr5-112792473-GA-G. GRCh37 (hg19) VCF-style: chr5-112128170-GA-G.
Other names: c.677del, p.Lys226fs (NM_001127510.3, NM_001354895.2, NM_001354896.2 and 1 more transcripts); c.707del, p.Lys236fs (NM_001354897.2, NM_001354902.2); c.602del, p.Lys201fs (NM_001354898.2, NM_001354904.2); c.500del, p.Lys167fs (NM_001354900.2, NM_001354901.2, NM_001354905.2); c.-359del (NM_001354906.2); c.676-8802del (NM_001127511.3); c.646-8802del (NM_001354899.2); short protein forms K167fs, K201fs, K226fs, K236fs.
Identifiers: ClinVar variation 218003 (VCV000218003.11), dbSNP rs863225371, ClinGen allele CA279704.
Genomic context (GRCh38, chr5:112,792,473, plus strand): 5'-ACATAACTAATTAGGTTTCTTGTTTTATTTTAGCGAAGAATAGCCAGAATTCAGCAAATC[GA>G]AAAGGACATACTTCGTATACGACAGCTTTTACAGTCCCAAGCAACAGAAGCAGAGGTTAG-3'